The following is an entry in ClinVar:

ClinVar aggregate classification (germline): Uncertain significance (1 of 4 stars; one submission).

gnomAD v4.1: 12 of 1,614,138 alleles (0.00074%); highest among the groups gnomAD compares: East Asian, 0.0045%; no homozygotes.

Submission:

Labcorp Genetics (formerly Invitae), Labcorp
Classification: Uncertain significance. Last evaluated: 2024-03-09. Review status: criteria provided, single submitter. Criteria: Invitae Variant Classification Sherloc (09022015). Collection method: clinical testing. Allele origin: germline.
Comment: This sequence change replaces arginine, which is basic and polar, with glutamine, which is neutral and polar, at codon 170 of the MARVELD2 protein (p.Arg170Gln). This variant is present in population databases (rs200623133, gnomAD 0.004%). This variant has not been reported in the literature in individuals affected with MARVELD2-related conditions. Advanced modeling of protein sequence and biophysical properties (such as structural, functional, and spatial information, amino acid conservation, physicochemical variation, residue mobility, and thermodynamic stability) performed at Invitae indicates that this missense variant is not expected to disrupt MARVELD2 protein function with a negative predictive value of 80%. In summary, the available evidence is currently insufficient to determine the role of this variant in disease. Therefore, it has been classified as a Variant of Uncertain Significance.

NM_001038603.3(MARVELD2):c.509G>A (p.Arg170Gln)

Gene: MARVELD2 (MARVEL domain containing 2; plus strand). Cytogenetic location: 5q13.2.
Variant type: single nucleotide variant.
Coding change: c.509G>A on transcript NM_001038603.3 (MANE Select); coding-DNA position 509, G replaced by A.
Protein change: p.Arg170Gln; replaces arginine 170 with glutamine.
Molecular consequence: missense variant.
Genome position (GRCh38, 1-based): chr5:69,419,894, G>A. VCF-style: chr5-69419894-G-A. GRCh37 (hg19) VCF-style: chr5-68715721-G-A.
Other names: c.509G>A, p.Arg170Gln (NM_001244734.2); short protein forms R170Q.
Identifiers: ClinVar variation 3611106 (VCV003611106.2).